The following is an entry in ClinVar:

NM_015338.6(ASXL1):c.1232G>T (p.Arg411Leu)

Gene: ASXL1 (ASXL transcriptional regulator 1; plus strand). Cytogenetic location: 20q11.21.
Variant type: single nucleotide variant.
Coding change: c.1232G>T on transcript NM_015338.6 (MANE Select); coding-DNA position 1232, G replaced by T.
Protein change: p.Arg411Leu; replaces arginine 411 with leucine.
Molecular consequence: missense variant.
Genome position (GRCh38, 1-based): chr20:32,433,430, G>T. VCF-style: chr20-32433430-G-T. GRCh37 (hg19) VCF-style: chr20-31021233-G-T.
Other names: c.1049G>T, p.Arg350Leu (NM_001363734.1); short protein forms R350L, R411L.
Identifiers: ClinVar variation 3792760 (VCV003792760.2).
Genomic context (GRCh38, chr20:32,433,430, plus strand): 5'-AATCAGTGCGTATACAGCGTGGTCCAGCCACCCGACAGCGAGATGGGCATTTTAAGAAAC[G>T]CTCTCGGCCAGATCTCCGAACCAGAGCCAGAAGGAATCTGTACAAAAAACAGGAGTCAGA-3'
Protein context (NP_056153.2, residues 401-421): TRQRDGHFKK[Arg411Leu]SRPDLRTRAR

ClinVar aggregate classification (germline): Uncertain significance. Review status: criteria provided, multiple submitters, no conflicts (2 of 4 stars). 2 submissions from 2 submitters: Uncertain significance (2). Last evaluated 2025-01-25.

Conditions:
Inborn genetic diseases. Identifiers: MedGen C0950123, MeSH D030342.

gnomAD v4.1: 3 of 1,614,142 alleles (0.00019%); highest among the groups gnomAD compares: Non-Finnish European, 0.00025%; no homozygotes.

Submissions (2):

Ambry Genetics
Classification: Uncertain significance for Inborn genetic diseases. Last evaluated: 2025-01-25. Review status: criteria provided, single submitter. Criteria: Ambry Variant Classification Scheme 2023. Collection method: clinical testing. Allele origin: germline.
Comment: The p.R411L variant (also known as c.1232G>T), located in coding exon 12 of the ASXL1 gene, results from a G to T substitution at nucleotide position 1232. The arginine at codon 411 is replaced by leucine, an amino acid with dissimilar properties. This amino acid position is conserved. In addition, this alteration is predicted to be tolerated by in silico analysis. Based on the available evidence, the clinical significance of this variant remains unclear.

Blueprint Genetics
Classification: Uncertain significance. Last evaluated: 2024-08-19. Review status: criteria provided, single submitter. Criteria: ACMG Guidelines, 2015. Collection method: clinical testing. Allele origin: germline.